The following is an entry in ClinVar:

NM_000392.5(ABCC2):c.2150A>G (p.Asp717Gly)

Gene: ABCC2 (ATP binding cassette subfamily C member 2; plus strand). Cytogenetic location: 10q24.2.
Variant type: single nucleotide variant.
Coding change: c.2150A>G on transcript NM_000392.5 (MANE Select); coding-DNA position 2150, A replaced by G.
Protein change: p.Asp717Gly; replaces aspartic acid 717 with glycine.
Molecular consequence: missense variant.
Genome position (GRCh38, 1-based): chr10:99,817,363, A>G. VCF-style: chr10-99817363-A-G. GRCh37 (hg19) VCF-style: chr10-101577120-A-G.
Other names: short protein forms D717G.
Identifiers: ClinVar variation 4980024 (VCV004980024.1).

ClinVar aggregate classification (germline): Uncertain significance (1 of 4 stars; one submission).

Conditions:
ABCC2-related disorder. Also called: ABCC2-related condition.

Submission:

PreventionGenetics, part of Exact Sciences
Classification: Uncertain significance for ABCC2-related condition. Last evaluated: 2026-06-30. Review status: criteria provided, single submitter. Criteria: ACMG Guidelines, 2015. Collection method: clinical testing. Allele origin: germline.
Comment: The ABCC2 c.2150A>G variant is predicted to result in the amino acid substitution p.Asp717Gly. To our knowledge, this variant has not been reported in the literature or in a large population database (gnomAD), indicating this variant is rare. At this time, the clinical significance of this variant is uncertain due to the absence of conclusive functional and genetic evidence.